The following is an entry in ClinVar:

NM_001184.4(ATR):c.1815T>C (p.Asp605=)

Gene: ATR (ATR checkpoint kinase; minus strand). Cytogenetic location: 3q23.
Variant type: single nucleotide variant.
Coding change: c.1815T>C on transcript NM_001184.4 (MANE Select); coding-DNA position 1815, T replaced by C.
Protein change: p.Asp605=; no amino-acid change (aspartic acid 605 retained).
Molecular consequence: synonymous variant.
Genome position (GRCh38, 1-based): chr3:142,558,694, A>G on the plus strand (T>C on the coding strand, the complement: ATR is on the minus strand). VCF-style: chr3-142558694-A-G. GRCh37 (hg19) VCF-style: chr3-142277536-A-G.
Other names: c.1623T>C, p.Asp541= (NM_001354579.2).
Identifiers: ClinVar variation 157966 (VCV000157966.33), dbSNP rs2227929, ClinGen allele CA171342.

ClinVar aggregate classification (germline): Benign/Likely benign. Review status: criteria provided, multiple submitters, no conflicts (2 of 4 stars). 13 submissions from 12 submitters: Benign (10); Likely benign (1). 2 of the submissions do not count toward it. Last evaluated 2026-02-04.

Conditions:
Hereditary cancer-predisposing syndrome. Also called: Neoplastic Syndromes, Hereditary; Hereditary Cancer Syndrome; Tumor predisposition; Hereditary neoplastic syndrome. Identifiers: Orphanet 140162, MedGen C0027672, MeSH D009386, MONDO:0015356.
Familial cutaneous telangiectasia and oropharyngeal predisposition cancer syndrome. Identifiers: Orphanet 313846, MedGen C3281203, MONDO:0013806, OMIM 614564.
Seckel syndrome 1 (SCKL1). Also called: MICROCEPHALIC PRIMORDIAL DWARFISM I. Identifiers: Orphanet 808, MedGen C4551474, MONDO:0008869, OMIM 210600.

Allele frequency attached by ClinVar (database versions not stated): 1000 Genomes Project 30x 0.30809; 1000 Genomes Project 0.31070; TOPMed 0.33351; gnomAD 0.33566 and 0.33689; ESP Exome Variant Server 0.34576; ExAC 0.35160; gnomAD exomes 0.35670 and 0.38633.
gnomAD v4.1: 614,771 of 1,611,750 alleles (38%); highest among the groups gnomAD compares: Non-Finnish European, 41%; 120,214 homozygotes.

Submissions (13):

Labcorp Genetics (formerly Invitae), Labcorp
Classification: Benign. Last evaluated: 2026-02-04. Review status: criteria provided, single submitter. Criteria: Invitae Variant Classification Sherloc (09022015). Collection method: clinical testing. Allele origin: germline.

GeneKor MSA
Classification: Benign for Hereditary cancer-predisposing syndrome. Last evaluated: 2025-07-10. Review status: criteria provided, single submitter. Criteria: ACMG Guidelines, 2015. Collection method: clinical testing. Allele origin: germline.

Blueprint Genetics
Classification: Likely benign. Last evaluated: 2024-11-26. Review status: criteria provided, single submitter. Criteria: ACMG Guidelines, 2015. Collection method: clinical testing. Allele origin: germline.

KCCC/NGS Laboratory, Kuwait Cancer Control Center
Classification: Benign for Familial cutaneous telangiectasia and oropharyngeal predisposition cancer syndrome. Last evaluated: 2023-07-07. Review status: criteria provided, single submitter. Criteria: ACMG Guidelines, 2015. Collection method: clinical testing. Allele origin: germline. Affected: yes.

Genome-Nilou Lab
Classification: Benign for Seckel syndrome 1. Last evaluated: 2023-02-08. Review status: criteria provided, single submitter. Criteria: ACMG Guidelines, 2015. Collection method: clinical testing. Allele origin: germline.

Genome-Nilou Lab
Classification: Benign for Familial cutaneous telangiectasia and oropharyngeal predisposition cancer syndrome. Last evaluated: 2023-02-08. Review status: criteria provided, single submitter. Criteria: ACMG Guidelines, 2015. Collection method: clinical testing. Allele origin: germline.

Illumina Laboratory Services, Illumina
Classification: Benign for Seckel syndrome 1. Last evaluated: 2018-01-13. Review status: criteria provided, single submitter. Criteria: ICSL Variant Classification Criteria 13 December 2019. Collection method: clinical testing. Allele origin: germline.
Comment: This variant was observed in the ICSL laboratory as part of a predisposition screen in an ostensibly healthy population. It had not been previously curated by ICSL or reported in the Human Gene Mutation Database (HGMD: prior to June 1st, 2018), and was therefore a candidate for classification through an automated scoring system. Utilizing variant allele frequency, disease prevalence and penetrance estimates, and inheritance mode, an automated score was calculated to assess if this variant is too frequent to cause the disease. Based on the score and internal cut-off values, a variant classified as benign is not then subjected to further curation. The score for this variant resulted in a classification of benign for this disease.

GeneDx
Classification: Benign. Last evaluated: 2015-03-03. Review status: criteria provided, single submitter. Criteria: GeneDx Variant Classification Process June 2021. Collection method: clinical testing. Allele origin: germline. Affected: yes.

Eurofins Ntd Llc (ga)
Classification: Benign. Last evaluated: 2013-12-20. Review status: criteria provided, single submitter. Criteria: EGL Classification Definitions 2015. Collection method: clinical testing. Allele origin: germline. Observed: 2 variant alleles, 1 heterozygote, 1 homozygote.

Genetic Services Laboratory, University of Chicago
Classification: Benign. Last evaluated: 2013-07-02. Review status: criteria provided, single submitter. Criteria: ACMG Guidelines, 2007. Collection method: clinical testing. Allele origin: germline. Inheritance: Autosomal recessive inheritance.

Breakthrough Genomics
Classification: Benign. Review status: criteria provided, single submitter. Criteria: ACMG Guidelines, 2015. Collection method: not provided. Allele origin: germline. Inheritance: Autosomal recessive inheritance. Affected: yes.

Clinical Genetics DNA and cytogenetics Diagnostics Lab, Erasmus MC, Erasmus Medical Center
Classification: Benign. Review status: no assertion criteria provided. Collection method: clinical testing. Allele origin: germline. Affected: yes. Study: VKGL Data-share Consensus. Not counted in ClinVar's aggregate classification.

Diagnostic Laboratory, Department of Genetics, University Medical Center Groningen
Classification: Benign. Review status: no assertion criteria provided. Collection method: clinical testing. Allele origin: germline. Affected: yes. Study: VKGL Data-share Consensus. Not counted in ClinVar's aggregate classification.